The following is an entry in ClinVar:

ClinVar aggregate classification (germline): Uncertain significance. Review status: criteria provided, multiple submitters, no conflicts (2 of 4 stars). 2 submissions from 2 submitters: Uncertain significance (2). Last evaluated 2024-12-11.

Conditions:
Inborn genetic diseases. Identifiers: MedGen C0950123, MeSH D030342.
Bardet-Biedl syndrome (BBS). Identifiers: Orphanet 110, MedGen C0752166, MONDO:0015229.

Allele frequency attached by ClinVar (database versions not stated): TOPMed below 0.00001; gnomAD 0.00002.
gnomAD v4.1: 4 of 1,610,732 alleles (0.00025%); highest among the groups gnomAD compares: East Asian, 0.0089%; no homozygotes.

Submissions (2):

Ambry Genetics
Classification: Uncertain significance for Inborn genetic diseases. Last evaluated: 2024-12-11. Review status: criteria provided, single submitter. Criteria: Ambry Variant Classification Scheme 2023. Collection method: clinical testing. Allele origin: germline.

Labcorp Genetics (formerly Invitae), Labcorp
Classification: Uncertain significance for Bardet-Biedl syndrome. Last evaluated: 2022-11-15. Review status: criteria provided, single submitter. Criteria: Invitae Variant Classification Sherloc (09022015). Collection method: clinical testing. Allele origin: germline.
Comment: In summary, the available evidence is currently insufficient to determine the role of this variant in disease. Therefore, it has been classified as a Variant of Uncertain Significance. Advanced modeling of protein sequence and biophysical properties (such as structural, functional, and spatial information, amino acid conservation, physicochemical variation, residue mobility, and thermodynamic stability) has been performed at Invitae for this missense variant, however the output from this modeling did not meet the statistical confidence thresholds required to predict the impact of this variant on TTC8 protein function. ClinVar contains an entry for this variant (Variation ID: 1471826). This variant has not been reported in the literature in individuals affected with TTC8-related conditions. This variant is present in population databases (no rsID available, gnomAD 0.1%). This sequence change replaces leucine, which is neutral and non-polar, with glutamine, which is neutral and polar, at codon 8 of the TTC8 protein (p.Leu8Gln).

NM_144596.4(TTC8):c.23T>A (p.Leu8Gln)

Gene: TTC8 (tetratricopeptide repeat domain 8; plus strand). Cytogenetic location: 14q31.3.
Variant type: single nucleotide variant.
Coding change: c.23T>A on transcript NM_144596.4 (MANE Select); coding-DNA position 23, T replaced by A.
Protein change: p.Leu8Gln; replaces leucine 8 with glutamine.
Molecular consequence: missense variant. On other transcripts: 5 prime UTR variant (2), non-coding transcript variant (1).
Genome position (GRCh38, 1-based): chr14:88,824,730, T>A. VCF-style: chr14-88824730-T-A. GRCh37 (hg19) VCF-style: chr14-89291074-T-A.
Other names: c.23T>A, p.Leu8Gln (NM_001288781.1, NM_001366535.2, NM_001366536.2 and 2 more transcripts); c.-540T>A (NM_001288782.1); c.-635T>A (NM_001288783.1); c.23T>A (NM_198309.2); short protein forms L8Q.
Identifiers: ClinVar variation 1471826 (VCV001471826.7), dbSNP rs1277993132, ClinGen allele CA390567578.